The following is an entry in ClinVar:

NM_006950.3(SYN1):c.1310C>T (p.Pro437Leu)

Gene: SYN1 (synapsin I; minus strand). Cytogenetic location: Xp11.3.
Variant type: single nucleotide variant.
Coding change: c.1310C>T on transcript NM_006950.3 (MANE Select); coding-DNA position 1310, C replaced by T.
Protein change: p.Pro437Leu; replaces proline 437 with leucine.
Molecular consequence: missense variant.
Genome position (GRCh38, 1-based): chrX:47,574,771, G>A on the plus strand (C>T on the coding strand, the complement: SYN1 is on the minus strand). VCF-style: chrX-47574771-G-A. GRCh37 (hg19) VCF-style: chrX-47434170-G-A.
Other names: c.1310C>T, p.Pro437Leu (NM_133499.2); short protein forms P437L.
Identifiers: ClinVar variation 465088 (VCV000465088.9), dbSNP rs895517774, ClinGen allele CA329057580.

ClinVar aggregate classification (germline): Uncertain significance (1 of 4 stars; one submission).

Conditions:
Epilepsy, X-linked 1, with variable learning disabilities and behavior disorders. Also called: X-linked epilepsy-learning disabilities-behavior disorders syndrome. Identifiers: Orphanet 85294, MedGen C5774177, MONDO:0010339, OMIM 300491.

Allele frequency attached by ClinVar (database versions not stated): gnomAD 0.00001; TOPMed 0.00002.
gnomAD v4.1: 7 of 1,182,230 alleles (0.00059%); highest among the groups gnomAD compares: Admixed American, 0.0049%; no homozygotes.

Submission:

Labcorp Genetics (formerly Invitae), Labcorp
Classification: Uncertain significance for Epilepsy, X-linked 1, with variable learning disabilities and behavior disorders. Last evaluated: 2023-03-20. Review status: criteria provided, single submitter. Criteria: Invitae Variant Classification Sherloc (09022015). Collection method: clinical testing. Allele origin: germline.
Comment: In summary, the available evidence is currently insufficient to determine the role of this variant in disease. Therefore, it has been classified as a Variant of Uncertain Significance. Algorithms developed to predict the effect of missense changes on protein structure and function output the following: SIFT: "Not Available"; PolyPhen-2: "Benign"; Align-GVGD: "Not Available". The leucine amino acid residue is found in multiple mammalian species, which suggests that this missense change does not adversely affect protein function. ClinVar contains an entry for this variant (Variation ID: 465088). This variant has not been reported in the literature in individuals affected with SYN1-related conditions. This variant is not present in population databases (gnomAD no frequency). This sequence change replaces proline, which is neutral and non-polar, with leucine, which is neutral and non-polar, at codon 437 of the SYN1 protein (p.Pro437Leu).